The following is an entry in ClinVar:

NM_007294.4(BRCA1):c.2148T>A (p.Ser716Arg)

Gene: BRCA1 (BRCA1 DNA repair associated; minus strand). Cytogenetic location: 17q21.31.
Variant type: single nucleotide variant.
Coding change: c.2148T>A on transcript NM_007294.4 (MANE Select); coding-DNA position 2148, T replaced by A.
Protein change: p.Ser716Arg; replaces serine 716 with arginine.
Molecular consequence: missense variant. On other transcripts: intron variant (137).
Genome position (GRCh38, 1-based): chr17:43,093,383, A>T on the plus strand (T>A on the coding strand, the complement: BRCA1 is on the minus strand). VCF-style: chr17-43093383-A-T. GRCh37 (hg19) VCF-style: chr17-41245400-A-T.
Other names: p.S716R:AGT>AGA; c.2145T>A, p.Ser715Arg (NM_001407634.1, NM_001407635.1, NM_001407637.1 and 22 more transcripts); c.1938T>A, p.Ser646Arg (NM_001407902.1, NM_001407908.1, NM_001407909.1 and 13 more transcripts); c.1935T>A, p.Ser645Arg (NM_001407915.1, NM_001407916.1, NM_001407917.1 and 9 more transcripts); c.2025T>A, p.Ser675Arg (NM_001407919.1, NM_001407648.1, NM_001407664.1 and 19 more transcripts); c.1884T>A, p.Ser628Arg (NM_001407922.1, NM_001407920.1, NM_001407921.1 and 9 more transcripts); c.2148T>A, p.Ser716Arg (NM_001407639.1, NM_001407620.1, NM_001407621.1 and 30 more transcripts); c.2139T>A, p.Ser713Arg (NM_001407646.1, NM_001407647.1); and 42 more; short protein forms S716R, S669R, S420R, S605R, S627R, S689R, S690R, S548R.
Identifiers: ClinVar variation 182142 (VCV000182142.6), dbSNP rs730881478, ClinGen allele CA001440.

ClinVar aggregate classification (germline): Conflicting classifications of pathogenicity. Review status: criteria provided, conflicting classifications (1 of 4 stars). 3 submissions from 3 submitters: Uncertain significance (2); Likely benign (1). Last evaluated 2025-05-29.

Conditions:
Hereditary cancer-predisposing syndrome. Also called: Tumor predisposition; Hereditary Cancer Syndrome; Hereditary neoplastic syndrome; Neoplastic Syndromes, Hereditary. Identifiers: Orphanet 140162, MedGen C0027672, MeSH D009386, MONDO:0015356.

Submissions (3):

Ambry Genetics
Classification: Uncertain significance for Hereditary cancer-predisposing syndrome. Last evaluated: 2025-05-29. Review status: criteria provided, single submitter. Criteria: Ambry Variant Classification Scheme 2023. Collection method: clinical testing. Allele origin: germline.
Comment: The p.S716R variant (also known as c.2148T>A), located in coding exon 9 of the BRCA1 gene, results from a T to A substitution at nucleotide position 2148. The serine at codon 716 is replaced by arginine, an amino acid with dissimilar properties. This amino acid position is not well conserved in available vertebrate species. In addition, this alteration is predicted to be tolerated by in silico analysis. Based on the available evidence, the clinical significance of this variant remains unclear.

University of Washington Department of Laboratory Medicine, University of Washington
Classification: Likely benign for Hereditary cancer-predisposing syndrome. Last evaluated: 2023-03-23. Review status: criteria provided, single submitter. Criteria: Dines et al. (Genet Med. 2020). Collection method: curation. Allele origin: germline.
Comment: Missense variant in a coldspot region where missense variants are very unlikely to be pathogenic (PMID:31911673).

BRCA1 coldspot (exon 11 using historical exon numbering). Reclassification based on statistical prior probability

GeneDx
Classification: Uncertain significance. Last evaluated: 2014-08-25. Review status: criteria provided, single submitter. Criteria: GeneDx Variant Classification (06012015). Collection method: clinical testing. Allele origin: germline. Affected: yes.
Comment: This variant is denoted BRCA1 c.2148T>A at the cDNA level, p.Ser716Arg (S716R) at the protein level, and results in the change of a Serine to an Arginine (AGT>AGA). This variant has not, to our knowledge, been published in the literature as pathogenic or benign. BRCA1 Ser716Arg was not observed in approximately 6,500 individuals of European and African American ancestry in the NHLBI Exome Sequencing Project, indicating it is not a common benign variant in these populations. Since Serine and Arginine differ in some properties, this is considered a semi-conservative amino acid substitution. BRCA1 Ser716Arg occurs at a position that is variable across species with Arginine being the naturally occuring amino acid at this position in other mammals and is located in the DNA binding domain (Narod 2004). In silico analyses predict that this variant is unlikely to alter protein structure or function. Based on currently available information, it is unclear whether BRCA1 Ser716Arg is pathogenic or benign. We consider it to be a variant of uncertain significance.